The following is an entry in ClinVar:

NM_001303256.3(MORC2):c.920G>A (p.Arg307Gln)

Gene: MORC2 (MORC family CW-type zinc finger 2; minus strand). Cytogenetic location: 22q12.2.
Variant type: single nucleotide variant.
Coding change: c.920G>A on transcript NM_001303256.3 (MANE Select); coding-DNA position 920, G replaced by A.
Protein change: p.Arg307Gln; replaces arginine 307 with glutamine.
Molecular consequence: missense variant.
Genome position (GRCh38, 1-based): chr22:30,940,026, C>T on the plus strand (G>A on the coding strand, the complement: MORC2 is on the minus strand). VCF-style: chr22-30940026-C-T. GRCh37 (hg19) VCF-style: chr22-31336013-C-T.
Other names: c.920G>A, p.Arg307Gln (NM_001303257.2); c.734G>A, p.Arg245Gln (NM_014941.3); short protein forms R245Q, R307Q.
Identifiers: ClinVar variation 3680412 (VCV003680412.2).
Genomic context (GRCh38, chr22:30,940,026, plus strand): 5'-TCCCGCGTGAGGTCTCCACCTAGGCGTACTTCTAATGTCCGAGCTTTGCTCTCTGCCTCC[C>T]GCGCCTTCTCTTCAGCTGAAACCCAGAAGAGAACATGGTAAGAAATGCAAAGGTTCAAAA-3'
Protein context (NP_001290185.1, residues 297-317): HVARIAEEKA[Arg307Gln]EAESKARTLE

ClinVar aggregate classification (germline): Uncertain significance (1 of 4 stars; one submission).

Conditions:
Charcot-Marie-Tooth disease axonal type 2Z. Also called: CHARCOT-MARIE-TOOTH DISEASE, AXONAL, AUTOSOMAL DOMINANT, TYPE 2Z; CHARCOT-MARIE-TOOTH NEUROPATHY, TYPE 2Z. Identifiers: Orphanet 466768, MedGen C5569025, MONDO:0014736, OMIM 616688.

gnomAD v4.1: 8 of 1,613,768 alleles (0.0005%); highest among the groups gnomAD compares: African/African-American, 0.0053%; no homozygotes.

Submission:

Labcorp Genetics (formerly Invitae), Labcorp
Classification: Uncertain significance for Charcot-Marie-Tooth disease axonal type 2Z. Last evaluated: 2026-02-02. Review status: criteria provided, single submitter. Criteria: Invitae Variant Classification Sherloc (09022015). Collection method: clinical testing. Allele origin: germline.
Comment: This sequence change replaces arginine, which is basic and polar, with glutamine, which is neutral and polar, at codon 307 of the MORC2 protein (p.Arg307Gln). This variant is present in population databases (rs748648749, gnomAD 0.007%). This variant has not been reported in the literature in individuals affected with MORC2-related conditions. ClinVar contains an entry for this variant (Variation ID: 3680412). Invitae Evidence Modeling of protein sequence and biophysical properties (such as structural, functional, and spatial information, amino acid conservation, physicochemical variation, residue mobility, and thermodynamic stability) indicates that this missense variant is expected to disrupt MORC2 protein function with a positive predictive value of 95%. In summary, the available evidence is currently insufficient to determine the role of this variant in disease. Therefore, it has been classified as a Variant of Uncertain Significance.